The following is an entry in ClinVar:

ClinVar aggregate classification (germline): Uncertain significance. Review status: criteria provided, multiple submitters, no conflicts (2 of 4 stars). 5 submissions from 5 submitters: Uncertain significance (4). 1 of the submissions does not count toward it. Last evaluated 2025-05-01.

Conditions:
Nemaline myopathy 2 (NEM2). Also called: Nemaline myopathy 2, autosomal recessive. Identifiers: MedGen C1850569, MONDO:0009725, OMIM 256030.

Allele frequency attached by ClinVar (database versions not stated): ExAC 0.00004; gnomAD exomes 0.00004 and 0.00002; gnomAD 0.00015 and 0.00017; ESP Exome Variant Server 0.00016; TOPMed 0.00020.
gnomAD v4.1: 54 of 1,613,654 alleles (0.0033%); highest among the groups gnomAD compares: African/African-American, 0.065%; no homozygotes.

Submissions (5):

CeGaT Center for Human Genetics Tuebingen
Classification: Uncertain significance. Last evaluated: 2025-05-01. Review status: criteria provided, single submitter. Criteria: CeGaT Center For Human Genetics Tuebingen Variant Classification Criteria Version 2. Collection method: clinical testing. Allele origin: germline. Affected: yes. Observed: 1 variant allele.
Comment: NEB: PM2

GeneDx
Classification: Uncertain significance. Last evaluated: 2023-03-21. Review status: criteria provided, single submitter. Criteria: GeneDx Variant Classification Process June 2021. Collection method: clinical testing. Allele origin: germline. Affected: yes.
Comment: In silico analysis supports that this missense variant has a deleterious effect on protein structure/function; Has not been previously published as pathogenic or benign to our knowledge

Labcorp Genetics (formerly Invitae), Labcorp
Classification: Uncertain significance for Nemaline myopathy 2. Last evaluated: 2022-07-08. Review status: criteria provided, single submitter. Criteria: Invitae Variant Classification Sherloc (09022015). Collection method: clinical testing. Allele origin: germline.
Comment: This sequence change replaces phenylalanine, which is neutral and non-polar, with serine, which is neutral and polar, at codon 2593 of the NEB protein (p.Phe2593Ser). This variant is present in population databases (rs370615288, gnomAD 0.05%). This variant has not been reported in the literature in individuals affected with NEB-related conditions. ClinVar contains an entry for this variant (Variation ID: 839946). Algorithms developed to predict the effect of missense changes on protein structure and function are either unavailable or do not agree on the potential impact of this missense change (SIFT: "Deleterious"; PolyPhen-2: "Not Available"; Align-GVGD: "Class C0"). In summary, the available evidence is currently insufficient to determine the role of this variant in disease. Therefore, it has been classified as a Variant of Uncertain Significance.

Revvity Omics, Revvity
Classification: Uncertain significance. Last evaluated: 2022-06-13. Review status: criteria provided, single submitter. Criteria: ACMG Guidelines, 2015. Collection method: clinical testing. Allele origin: germline.

Natera, Inc.
Classification: Uncertain significance for Nemaline myopathy type 2. Last evaluated: 2020-02-13. Review status: no assertion criteria provided. Collection method: clinical testing. Allele origin: germline. Not counted in ClinVar's aggregate classification.

NM_001164508.2(NEB):c.7778T>C (p.Phe2593Ser)

Gene: NEB (nebulin; minus strand). Cytogenetic location: 2q23.3.
Variant type: single nucleotide variant.
Coding change: c.7778T>C on transcript NM_001164508.2 (MANE Select); coding-DNA position 7778, T replaced by C.
Protein change: p.Phe2593Ser; replaces phenylalanine 2593 with serine.
Molecular consequence: missense variant.
Genome position (GRCh38, 1-based): chr2:151,643,996, A>G on the plus strand (T>C on the coding strand, the complement: NEB is on the minus strand). VCF-style: chr2-151643996-A-G. GRCh37 (hg19) VCF-style: chr2-152500510-A-G.
Other names: c.7778T>C, p.Phe2593Ser (NM_001164507.2, NM_001271208.2, NM_004543.5); short protein forms F2593S.
Identifiers: ClinVar variation 839946 (VCV000839946.19), dbSNP rs370615288, ClinGen allele CA1909756.